The following is an entry in ClinVar:

NM_001005242.3(PKP2):c.1707C>G (p.Asn569Lys)

Gene: PKP2 (plakophilin 2; minus strand). Cytogenetic location: 12p11.21.
Variant type: single nucleotide variant.
Coding change: c.1707C>G on transcript NM_001005242.3 (MANE Select); coding-DNA position 1707, C replaced by G.
Protein change: p.Asn569Lys; replaces asparagine 569 with lysine.
Molecular consequence: missense variant.
Genome position (GRCh38, 1-based): chr12:32,822,599, G>C on the plus strand (C>G on the coding strand, the complement: PKP2 is on the minus strand). VCF-style: chr12-32822599-G-C. GRCh37 (hg19) VCF-style: chr12-32975533-G-C.
Other names: c.1839C>G, p.Asn613Lys (NM_004572.4); short protein forms N613K, N569K.
Identifiers: ClinVar variation 628732 (VCV000628732.4), dbSNP rs1254113735, ClinGen allele CA384363450.

ClinVar aggregate classification (germline): Uncertain significance (1 of 4 stars; one submission).

Conditions:
Cardiomyopathy (CMYO). Also called: Cardiomyopathies. Identifiers: Orphanet 167848, MedGen C0878544, MONDO:0004994, HP:0001638. Inheritance: Various modes of inheritance.

Submission:

Color Diagnostics, LLC DBA Color Health
Classification: Uncertain significance for Cardiomyopathy. Last evaluated: 2019-05-05. Review status: criteria provided, single submitter. Criteria: ACMG Guidelines, 2015. Collection method: clinical testing. Allele origin: germline.
Comment: This missense variant replaces asparagine with lysine at codon 613 of the PKP2 protein. Computational prediction tools and conservation analyses suggest that this variant may have deleterious impact on the protein function. Computational splicing tools suggest that this variant may not impact RNA splicing. An experimental study has suggested that this variant may cause reduced protein expression (PMID: 17521752). This variant has been reported in two related individuals affected with arrhythmogenic right ventricular cardiomyopathy (PMID: 17521752). This variant has not been identified in the general population by the Genome Aggregation Database (gnomAD). Available evidence is insufficient to determine the role of this variant in disease conclusively. Therefore, this variant is classified as a Variant of Uncertain Significance.